The following is an entry in ClinVar:

ClinVar aggregate classification (germline): Pathogenic (1 of 4 stars; one submission).

Submission:

Labcorp Genetics (formerly Invitae), Labcorp
Classification: Pathogenic. Last evaluated: 2023-09-01. Review status: criteria provided, single submitter. Criteria: Invitae Variant Classification Sherloc (09022015). Collection method: clinical testing. Allele origin: germline.
Comment: For these reasons, this variant has been classified as Pathogenic. This variant has not been reported in the literature in individuals affected with LRP2-related conditions. This variant is not present in population databases (gnomAD no frequency). This sequence change creates a premature translational stop signal (p.Thr948Serfs*16) in the LRP2 gene. It is expected to result in an absent or disrupted protein product. Loss-of-function variants in LRP2 are known to be pathogenic (PMID: 17632512, 25682901).

Literature cited by the submitters: PubMed 17632512; PubMed 25682901.

NM_004525.3(LRP2):c.2843_2844del (p.Thr948fs)

Gene: LRP2 (LDL receptor related protein 2; minus strand). Cytogenetic location: 2q31.1.
Variant type: Deletion.
Coding change: c.2843_2844del on transcript NM_004525.3 (MANE Select); coding-DNA positions 2843 to 2844, 2 bases deleted (CA; older notation c.2843_2844delCA).
Protein change: p.Thr948fs; shifts the reading frame from threonine 948.
Molecular consequence: frameshift variant.
Genome position (GRCh38, 1-based): chr2:169,247,442-169,247,443, TG deleted on the plus strand (CA on the coding strand, the reverse complement: LRP2 is on the minus strand); deleting any 2 consecutive bases within chr2:169,247,442-169,247,444 gives the same sequence; the c. name uses the placement nearest the transcript's 3' end. VCF-style (leftmost placement, unchanged base first): chr2-169247441-CTG-C. GRCh37 (hg19) VCF-style: chr2-170103951-CTG-C.
Other names: short protein forms T948fs.
Identifiers: ClinVar variation 2757163 (VCV002757163.3), dbSNP rs2528401479, ClinGen allele CA2697551274.